The following is an entry in ClinVar:

NM_030665.4(RAI1):c.3551C>T (p.Pro1184Leu)

Gene: RAI1 (retinoic acid induced 1; plus strand). Cytogenetic location: 17p11.2.
Variant type: single nucleotide variant.
Coding change: c.3551C>T on transcript NM_030665.4 (MANE Select); coding-DNA position 3551, C replaced by T.
Protein change: p.Pro1184Leu; replaces proline 1184 with leucine.
Molecular consequence: missense variant.
Genome position (GRCh38, 1-based): chr17:17,796,499, C>T. VCF-style: chr17-17796499-C-T. GRCh37 (hg19) VCF-style: chr17-17699813-C-T.
Other names: c.3551C>T (NM_030665.3); short protein forms P1184L.
Identifiers: ClinVar variation 3667451 (VCV003667451.3).

ClinVar aggregate classification (germline): Uncertain significance. Review status: criteria provided, multiple submitters, no conflicts (2 of 4 stars). 2 submissions from 2 submitters: Uncertain significance (2). Last evaluated 2026-03-03.

Submissions (2):

GeneDx
Classification: Uncertain significance. Last evaluated: 2026-03-03. Review status: criteria provided, single submitter. Criteria: GeneDx Variant Classification Process June 2021. Collection method: clinical testing. Allele origin: germline.
Comment: Not observed at significant frequency in large population cohorts (gnomAD); In silico analysis supports that this missense variant has a deleterious effect on protein structure/function; Has not been previously published as pathogenic or benign to our knowledge

Labcorp Genetics (formerly Invitae), Labcorp
Classification: Uncertain significance. Last evaluated: 2024-11-15. Review status: criteria provided, single submitter. Criteria: Invitae Variant Classification Sherloc (09022015). Collection method: clinical testing. Allele origin: germline.
Comment: This sequence change replaces proline, which is neutral and non-polar, with leucine, which is neutral and non-polar, at codon 1184 of the RAI1 protein (p.Pro1184Leu). This variant is not present in population databases (gnomAD no frequency). This variant has not been reported in the literature in individuals affected with RAI1-related conditions. Invitae Evidence Modeling of protein sequence and biophysical properties (such as structural, functional, and spatial information, amino acid conservation, physicochemical variation, residue mobility, and thermodynamic stability) indicates that this missense variant is not expected to disrupt RAI1 protein function with a negative predictive value of 80%. In summary, the available evidence is currently insufficient to determine the role of this variant in disease. Therefore, it has been classified as a Variant of Uncertain Significance.